The following is an entry in ClinVar:

NM_013266.4(CTNNA3):c.367C>G (p.Gln123Glu)

Gene: CTNNA3 (catenin alpha 3; minus strand). Cytogenetic location: 10q21.3.
Variant type: single nucleotide variant.
Coding change: c.367C>G on transcript NM_013266.4 (MANE Select); coding-DNA position 367, C replaced by G.
Protein change: p.Gln123Glu; replaces glutamine 123 with glutamic acid.
Molecular consequence: missense variant.
Genome position (GRCh38, 1-based): chr10:67,539,595, G>C on the plus strand (C>G on the coding strand, the complement: CTNNA3 is on the minus strand). VCF-style: chr10-67539595-G-C. GRCh37 (hg19) VCF-style: chr10-69299353-G-C.
Other names: c.367C>G, p.Gln123Glu (NM_001127384.3); c.403C>G, p.Gln135Glu (NM_001291133.2); short protein forms Q135E, Q123E.
Identifiers: ClinVar variation 2450203 (VCV002450203.2), dbSNP rs2492483115, ClinGen allele CA377097889.

ClinVar aggregate classification (germline): Uncertain significance (1 of 4 stars; one submission).

Submission:

Ambry Genetics
Classification: Uncertain significance. Last evaluated: 2023-02-10. Review status: criteria provided, single submitter. Criteria: Ambry Variant Classification Scheme 2023. Collection method: clinical testing. Allele origin: germline.
Comment: The p.Q123E variant (also known as c.367C>G), located in coding exon 3 of the CTNNA3 gene, results from a C to G substitution at nucleotide position 367. The glutamine at codon 123 is replaced by glutamic acid, an amino acid with highly similar properties. This amino acid position is conserved. In addition, this alteration is predicted to be tolerated by in silico analysis. Since supporting evidence is limited at this time, the clinical significance of this alteration remains unclear.